The following is an entry in ClinVar:

NM_004304.5(ALK):c.3833A>C (p.Tyr1278Ser)

Gene: ALK (ALK receptor tyrosine kinase; minus strand). Cytogenetic location: 2p23.2.
Variant type: single nucleotide variant.
Coding change: c.3833A>C on transcript NM_004304.5 (MANE Select); coding-DNA position 3833, A replaced by C.
Protein change: p.Tyr1278Ser; replaces tyrosine 1278 with serine.
Molecular consequence: missense variant.
Genome position (GRCh38, 1-based): chr2:29,209,789, T>G on the plus strand (A>C on the coding strand, the complement: ALK is on the minus strand). VCF-style: chr2-29209789-T-G. GRCh37 (hg19) VCF-style: chr2-29432655-T-G.
Other names: c.629A>C, p.Tyr210Ser (NM_001353765.2); short protein forms Y1278S, Y210S.
Identifiers: ClinVar variation 217858 (VCV000217858.1), dbSNP rs863225285, ClinGen allele CA279600.

ClinVar aggregate classification (germline): Pathogenic (0 of 4 stars; one submission).

Conditions:
Neuroblastoma, susceptibility to, 3. Also called: ALK-Related Neuroblastic Tumor Susceptibility. Identifiers: Orphanet 635, MedGen C2751681, MONDO:0013083, OMIM 613014.

Submission:

Genomic Diagnostic Laboratory, Division of Genomic Diagnostics, Children's Hospital of Philadelphia
Classification: Pathogenic for Neuroblastoma, susceptibility to, 3. Last evaluated: 2015-11-06. Review status: no assertion criteria provided. Collection method: clinical testing. Allele origin: somatic. Affected: yes. Observed: 1 variant allele.
Comment: Clinical Testing